The following is an entry in ClinVar:

ClinVar aggregate classification (germline): Uncertain significance (1 of 4 stars; one submission).

Conditions:
Pyruvate dehydrogenase E3 deficiency (DLDD). Also called: Lipoamide dehydrogenase deficiency; MAPLE SYRUP URINE DISEASE, TYPE III; DLD DEFICIENCY; E3 DEFICIENCY; Dihydrolipoamide Dehydrogenase E3 Deficiency; Dihydrolipoamide Dehydrogenase (E3) Deficiency. Identifiers: Orphanet 2394, Orphanet 765, MedGen C5574660, MONDO:0009529, OMIM 246900.

Allele frequency attached by ClinVar (database versions not stated): ExAC 0.00001; gnomAD 0.00001; gnomAD exomes 0.00001.
gnomAD v4.1: 10 of 1,613,296 alleles (0.00062%); highest among the groups gnomAD compares: African/African-American, 0.0013%; no homozygotes.

Submission:

Labcorp Genetics (formerly Invitae), Labcorp
Classification: Uncertain significance for Pyruvate dehydrogenase E3 deficiency. Last evaluated: 2024-02-23. Review status: criteria provided, single submitter. Criteria: Invitae Variant Classification Sherloc (09022015). Collection method: clinical testing. Allele origin: germline.
Comment: This sequence change affects codon 488 of the DLD mRNA. It is a 'silent' change, meaning that it does not change the encoded amino acid sequence of the DLD protein. This variant also falls at the last nucleotide of exon 13, which is part of the consensus splice site for this exon. This variant is present in population databases (rs760788506, gnomAD 0.008%). This variant has not been reported in the literature in individuals affected with DLD-related conditions. ClinVar contains an entry for this variant (Variation ID: 1932265). Variants that disrupt the consensus splice site are a relatively common cause of aberrant splicing (PMID: 17576681, 9536098). Algorithms developed to predict the effect of sequence changes on RNA splicing suggest that this variant may disrupt the consensus splice site. In summary, the available evidence is currently insufficient to determine the role of this variant in disease. Therefore, it has been classified as a Variant of Uncertain Significance.

Literature cited by the submitters: PubMed 17576681; PubMed 9536098.

NM_000108.5(DLD):c.1464G>A (p.Pro488=)

Gene: DLD (dihydrolipoamide dehydrogenase; plus strand). Cytogenetic location: 7q31.1.
Variant type: single nucleotide variant.
Coding change: c.1464G>A on transcript NM_000108.5 (MANE Select); coding-DNA position 1464, G replaced by A.
Protein change: p.Pro488=; no amino-acid change (proline 488 retained).
Molecular consequence: synonymous variant.
Genome position (GRCh38, 1-based): chr7:107,919,099, G>A. VCF-style: chr7-107919099-G-A. GRCh37 (hg19) VCF-style: chr7-107559544-G-A.
Other names: c.1167G>A, p.Pro389= (NM_001289750.1); c.1395G>A, p.Pro465= (NM_001289751.1); c.1320G>A, p.Pro440= (NM_001289752.1).
Identifiers: ClinVar variation 1932265 (VCV001932265.3), dbSNP rs760788506, ClinGen allele CA4434714.